The following is an entry in ClinVar:

ClinVar aggregate classification (germline): Uncertain significance. Review status: criteria provided, multiple submitters, no conflicts (2 of 4 stars). 2 submissions from 2 submitters: Uncertain significance (2). Last evaluated 2024-01-12.

Conditions:
Inborn genetic diseases. Identifiers: MedGen C0950123, MeSH D030342.

Allele frequency attached by ClinVar (database versions not stated): TOPMed 0.00002; ExAC 0.00003; gnomAD 0.00003; ESP Exome Variant Server 0.00008; 1000 Genomes Project 30x 0.00016; 1000 Genomes Project 0.00020.
gnomAD v4.1: 30 of 1,613,486 alleles (0.0019%); highest among the groups gnomAD compares: Admixed American, 0.005%; no homozygotes.

Submissions (2):

Labcorp Genetics (formerly Invitae), Labcorp
Classification: Uncertain significance. Last evaluated: 2024-01-12. Review status: criteria provided, single submitter. Criteria: Invitae Variant Classification Sherloc (09022015). Collection method: clinical testing. Allele origin: germline.
Comment: This sequence change replaces glycine, which is neutral and non-polar, with serine, which is neutral and polar, at codon 99 of the WNT4 protein (p.Gly99Ser). This variant is present in population databases (rs377491760, gnomAD 0.006%). This variant has not been reported in the literature in individuals affected with WNT4-related conditions. ClinVar contains an entry for this variant (Variation ID: 2283057). Advanced modeling of protein sequence and biophysical properties (such as structural, functional, and spatial information, amino acid conservation, physicochemical variation, residue mobility, and thermodynamic stability) performed at Invitae indicates that this missense variant is not expected to disrupt WNT4 protein function with a negative predictive value of 80%. In summary, the available evidence is currently insufficient to determine the role of this variant in disease. Therefore, it has been classified as a Variant of Uncertain Significance.

Ambry Genetics
Classification: Uncertain significance for Inborn genetic diseases. Last evaluated: 2021-09-17. Review status: criteria provided, single submitter. Criteria: Ambry Variant Classification Scheme 2023. Collection method: clinical testing. Allele origin: germline.

NM_030761.5(WNT4):c.295G>A (p.Gly99Ser)

Gene: WNT4 (Wnt family member 4; minus strand). Cytogenetic location: 1p36.12.
Variant type: single nucleotide variant.
Coding change: c.295G>A on transcript NM_030761.5 (MANE Select); coding-DNA position 295, G replaced by A.
Protein change: p.Gly99Ser; replaces glycine 99 with serine.
Molecular consequence: missense variant.
Genome position (GRCh38, 1-based): chr1:22,129,634, C>T on the plus strand (G>A on the coding strand, the complement: WNT4 is on the minus strand). VCF-style: chr1-22129634-C-T. GRCh37 (hg19) VCF-style: chr1-22456127-C-T.
Other names: short protein forms G99S.
Identifiers: ClinVar variation 2283057 (VCV002283057.5), dbSNP rs377491760, ClinGen allele CA675473.